The following is an entry in ClinVar:

NM_002734.5(PRKAR1A):c.62A>G (p.Tyr21Cys)

Gene: PRKAR1A (protein kinase cAMP-dependent type I regulatory subunit alpha; plus strand). Cytogenetic location: 17q24.2.
Variant type: single nucleotide variant.
Coding change: c.62A>G on transcript NM_002734.5 (MANE Select); coding-DNA position 62, A replaced by G.
Protein change: p.Tyr21Cys; replaces tyrosine 21 with cysteine.
Molecular consequence: missense variant.
Genome position (GRCh38, 1-based): chr17:68,515,461, A>G. VCF-style: chr17-68515461-A-G. GRCh37 (hg19) VCF-style: chr17-66511602-A-G.
Other names: c.62A>G, p.Tyr21Cys (NM_001276289.2, NM_001276290.1, NM_001278433.2 and 4 more transcripts); short protein forms Y21C.
Identifiers: ClinVar variation 1313482 (VCV001313482.6), dbSNP rs2143150295, ClinGen allele CA400751886.

ClinVar aggregate classification (germline): Uncertain significance. Review status: criteria provided, multiple submitters, no conflicts (2 of 4 stars). 3 submissions from 3 submitters: Uncertain significance (3). Last evaluated 2024-01-05.

Conditions:
Hereditary cancer-predisposing syndrome. Also called: Hereditary neoplastic syndrome; Neoplastic Syndromes, Hereditary; Tumor predisposition; Hereditary Cancer Syndrome. Identifiers: Orphanet 140162, MedGen C0027672, MeSH D009386, MONDO:0015356.
Carney complex, type 1 (CNC1). Also called: CARNEY COMPLEX, TYPE I; CARNEY MYXOMA-ENDOCRINE COMPLEX. Identifiers: Orphanet 1359, MedGen C2607929, MONDO:0008057, OMIM 160980.

Allele frequency attached by ClinVar (database versions not stated): gnomAD exomes below 0.00001.
gnomAD v4.1: 3 of 1,613,686 alleles (0.00019%); highest among the groups gnomAD compares: Non-Finnish European, 0.00017%; no homozygotes.

Submissions (3):

Labcorp Genetics (formerly Invitae), Labcorp
Classification: Uncertain significance for Carney complex, type 1. Last evaluated: 2024-01-05. Review status: criteria provided, single submitter. Criteria: Invitae Variant Classification Sherloc (09022015). Collection method: clinical testing. Allele origin: germline.
Comment: This sequence change replaces tyrosine, which is neutral and polar, with cysteine, which is neutral and slightly polar, at codon 21 of the PRKAR1A protein (p.Tyr21Cys). This variant is not present in population databases (gnomAD no frequency). This variant has not been reported in the literature in individuals affected with PRKAR1A-related conditions. ClinVar contains an entry for this variant (Variation ID: 1313482). An algorithm developed to predict the effect of missense changes on protein structure and function (PolyPhen-2) suggests that this variant is likely to be disruptive. In summary, the available evidence is currently insufficient to determine the role of this variant in disease. Therefore, it has been classified as a Variant of Uncertain Significance.

Ambry Genetics
Classification: Uncertain significance for Hereditary cancer-predisposing syndrome. Last evaluated: 2023-10-24. Review status: criteria provided, single submitter. Criteria: Ambry Variant Classification Scheme 2023. Collection method: clinical testing. Allele origin: germline.
Comment: The p.Y21C variant (also known as c.62A>G), located in coding exon 1 of the PRKAR1A gene, results from an A to G substitution at nucleotide position 62. The tyrosine at codon 21 is replaced by cysteine, an amino acid with highly dissimilar properties. This amino acid position is conserved. In addition, this alteration is predicted to be deleterious by in silico analysis. Since supporting evidence is limited at this time, the clinical significance of this alteration remains unclear.

GeneDx
Classification: Uncertain significance. Last evaluated: 2020-01-27. Review status: criteria provided, single submitter. Criteria: GeneDx Variant Classification Process June 2021. Collection method: clinical testing. Allele origin: germline. Affected: yes.
Comment: Not observed in large population cohorts (Lek et al., 2016); In silico analysis, which includes protein predictors and evolutionary conservation, supports a deleterious effect; Has not been previously published as pathogenic or benign to our knowledge